The following is an entry in ClinVar:

ClinVar aggregate classification (germline): Pathogenic. Review status: reviewed by expert panel (3 of 4 stars). 9 submissions from 9 submitters: Pathogenic (1). 8 of the submissions do not count toward it. Last evaluated 2016-10-18.

Conditions:
Hereditary cancer-predisposing syndrome. Also called: Tumor predisposition; Neoplastic Syndromes, Hereditary; Hereditary Cancer Syndrome; Hereditary neoplastic syndrome. Identifiers: Orphanet 140162, MedGen C0027672, MeSH D009386, MONDO:0015356.
BRCA1-related disorder. Also called: BRCA1-related condition.
Hereditary breast ovarian cancer syndrome. Also called: Hereditary breast and ovarian cancer syndrome (HBOC); Hereditary breast and ovarian cancer syndrome; Hereditary breast and ovarian cancer; Hereditary breast and/or ovarian cancer syndrome; Breast and ovarian cancer; BRCA1- and BRCA2-Associated Hereditary Breast and Ovarian Cancer. Identifiers: Orphanet 145, MedGen C0677776, MeSH D061325, MONDO:0003582. Disease mechanism: loss of function.
Breast-ovarian cancer, familial, susceptibility to, 1 (BROVCA1). Also called: OVARIAN CANCER, SUSCEPTIBILITY TO; BRCA1 Hereditary Breast and Ovarian Cancer. Identifiers: Orphanet 145, MedGen C2676676, MONDO:0011450, OMIM 604370. Disease mechanism: loss of function.

Allele frequency attached by ClinVar (database versions not stated): gnomAD exomes below 0.00001.
gnomAD v4.1: 2 of 1,614,088 alleles (0.00012%); highest among the groups gnomAD compares: Non-Finnish European, 0.00017%; no homozygotes.

Submissions (9):

Evidence-based Network for the Interpretation of Germline Mutant Alleles (ENIGMA)
Classification: Pathogenic for Breast-ovarian cancer, familial, susceptibility to, 1. Last evaluated: 2016-10-18. Review status: reviewed by expert panel. Criteria: ENIGMA BRCA1/2 Classification Criteria (2015). Collection method: curation. Allele origin: germline.
Comment: Variant allele predicted to encode a truncated non-functional protein.

Labcorp Genetics (formerly Invitae), Labcorp
Classification: Pathogenic for Hereditary breast ovarian cancer syndrome. Last evaluated: 2024-07-30. Review status: criteria provided, single submitter. Criteria: Invitae Variant Classification Sherloc (09022015). Collection method: clinical testing. Allele origin: germline. Not counted in ClinVar's aggregate classification.
Comment: This sequence change creates a premature translational stop signal (p.Cys442*) in the BRCA1 gene. It is expected to result in an absent or disrupted protein product. Loss-of-function variants in BRCA1 are known to be pathogenic (PMID: 20104584). This variant is not present in population databases (gnomAD no frequency). This premature translational stop signal has been observed in individual(s) with breast cancer (PMID: 14648706, 29446198). This variant is also known as c.1445T>A. ClinVar contains an entry for this variant (Variation ID: 54202). For these reasons, this variant has been classified as Pathogenic.

Women's Health and Genetics/Laboratory Corporation of America, LabCorp
Classification: Pathogenic for Hereditary breast ovarian cancer syndrome. Last evaluated: 2023-10-06. Review status: criteria provided, single submitter. Criteria: LabCorp Variant Classification Summary - May 2015. Collection method: clinical testing. Allele origin: germline. Not counted in ClinVar's aggregate classification.
Comment: Variant summary: BRCA1 c.1326T>A (p.Cys442X) results in a premature termination codon, predicted to cause a truncation of the encoded protein or absence of the protein due to nonsense mediated decay, which are commonly known mechanisms for disease. The variant was absent in 250930 control chromosomes. c.1326T>A has been reported in the literature in individuals affected with Hereditary Breast And Ovarian Cancer Syndrome (Kadouri_2004, Mattocks_2010, Whitworth_2014). These data indicate that the variant is likely to be associated with disease. To our knowledge, no experimental evidence demonstrating an impact on protein function has been reported. The following publications have been ascertained in the context of this evaluation (PMID: 20167696, 25248401, 14648706). Six submitters have cited clinical-significance assessments for this variant to ClinVar after 2014. All submitters classified the variant as pathogenic. Based on the evidence outlined above, the variant was classified as pathogenic.

Color Diagnostics, LLC DBA Color Health
Classification: Pathogenic for Hereditary cancer-predisposing syndrome. Last evaluated: 2021-06-21. Review status: criteria provided, single submitter. Criteria: ACMG Guidelines, 2015. Collection method: clinical testing. Allele origin: germline. Not counted in ClinVar's aggregate classification.
Comment: This variant changes 1 nucleotide in exon 10 of the BRCA1 gene, creating a premature translation stop signal. This variant is expected to result in an absent or non-functional protein product. To our knowledge, functional studies have not been reported for this variant. This variant has been detected in at least three individuals affected with breast or ovarian cancer (PMID: 28145423, 29337092; Color internal data), in an individual affected with multiple primary cancer (PMID: 25248401) and in at least two suspected hereditary breast and ovarian cancer families (PMID: 14648706, 29446198). This variant has not been identified in the general population by the Genome Aggregation Database (gnomAD). Loss of BRCA1 function is a known mechanism of disease. Based on the available evidence, this variant is classified as Pathogenic.

Quest Diagnostics Nichols Institute San Juan Capistrano
Classification: Pathogenic. Last evaluated: 2018-01-05. Review status: criteria provided, single submitter. Criteria: Quest Diagnostics criteria. Collection method: clinical testing. Allele origin: germline. Not counted in ClinVar's aggregate classification.

Ambry Genetics
Classification: Pathogenic for Hereditary cancer-predisposing syndrome. Last evaluated: 2017-08-31. Review status: criteria provided, single submitter. Criteria: Ambry Variant Classification Scheme 2023. Collection method: clinical testing. Allele origin: germline. Not counted in ClinVar's aggregate classification.
Comment: The p.C442* pathogenic mutation (also known as c.1326T>A), located in coding exon 9 of the BRCA1 gene, results from a T to A substitution at nucleotide position 1326. This changes the amino acid from a cysteine to a stop codon within coding exon 9. In addition to the clinical data presented in the literature, this alteration is expected to result in loss of function by premature protein truncation or nonsense-mediated mRNA decay. As such, this alteration is interpreted as a disease-causing mutation.

Consortium of Investigators of Modifiers of BRCA1/2 (CIMBA), c/o University of Cambridge
Classification: Pathogenic for Breast-ovarian cancer, familial, susceptibility to, 1. Last evaluated: 2015-10-02. Review status: criteria provided, single submitter. Criteria: CIMBA Mutation Classification guidelines May 2016. Collection method: clinical testing. Allele origin: germline. Not counted in ClinVar's aggregate classification.

GeneDx
Classification: Pathogenic. Last evaluated: 2015-04-30. Review status: criteria provided, single submitter. Criteria: GeneDx Variant Classification (06012015). Collection method: clinical testing. Allele origin: germline. Affected: yes. Not counted in ClinVar's aggregate classification.
Comment: This pathogenic variant is denoted BRCA1 c.1326T>A at the cDNA level and p.Cys442Ter (C442X) at the protein level. The substitution creates a nonsense variant, which changes a Cysteine to a premature stop codon (TGT>TGA), and is predicted to cause loss of normal protein function through either protein truncation or nonsense-mediated mRNA decay. This variant is considered pathogenic.

PreventionGenetics, part of Exact Sciences
Classification: Pathogenic for BRCA1-related condition. Last evaluated: 2024-08-22. Review status: no assertion criteria provided. Collection method: clinical testing. Allele origin: germline. Not counted in ClinVar's aggregate classification.
Comment: The BRCA1 c.1326T>A variant is predicted to result in premature protein termination (p.Cys442*). This variant was reported as a causative variant in an individual with multiple primary malignant tumors (Supplementary Table 3, Whitworth et al. 2014. PubMed ID: 25248401) and in multiple families suspected to have hereditary breast and ovarian cancer (Supplementary Table 1, Rebbeck et al. 2018. PubMed ID: 29446198). This variant has not been reported in a large population database, indicating this variant is rare. This variant is interpreted as pathogenic in ClinVar. Nonsense variants in BRCA1 are expected to be pathogenic. This variant is interpreted as pathogenic.

Literature cited by the submitters: PubMed 20104584 (cited by Labcorp Genetics (formerly Invitae), Labcorp); PubMed 14648706 (cited by 3 submitters); PubMed 29446198 (cited by Labcorp Genetics (formerly Invitae), Labcorp); PubMed 20167696 (cited by Women's Health and Genetics/Laboratory Corporation of America, LabCorp); PubMed 25248401 (cited by Women's Health and Genetics/Laboratory Corporation of America, LabCorp and Ambry Genetics).

NM_007294.4(BRCA1):c.1326T>A (p.Cys442Ter)

Gene: BRCA1 (BRCA1 DNA repair associated; minus strand). Cytogenetic location: 17q21.31.
Variant type: single nucleotide variant.
Coding change: c.1326T>A on transcript NM_007294.4 (MANE Select); coding-DNA position 1326, T replaced by A.
Protein change: p.Cys442Ter; replaces cysteine 442 with a stop codon.
Molecular consequence: nonsense. On other transcripts: intron variant (137).
Genome position (GRCh38, 1-based): chr17:43,094,205, A>T on the plus strand (T>A on the coding strand, the complement: BRCA1 is on the minus strand). VCF-style: chr17-43094205-A-T. GRCh37 (hg19) VCF-style: chr17-41246222-A-T.
Other names: 1445T>A; c.661+539T>A (NM_001408434.1, NM_001408447.1, NM_001408433.1 and 6 more transcripts); c.784+539T>A (NM_001408398.1, NM_001407992.1, NM_001408400.1 and 13 more transcripts); c.664+539T>A (NM_001408440.1, NM_001408428.1, NM_001408441.1 and 12 more transcripts); c.670+1641T>A (NM_001408418.1, NM_001408423.1, NM_001408420.1 and 2 more transcripts); c.787+539T>A (NM_001407981.1, NM_007298.4, NM_001407978.1 and 19 more transcripts); c.643+539T>A (NM_001408462.1, NM_001408470.1, NM_001408464.1 and 3 more transcripts); c.709+539T>A (NM_001408414.1, NM_001408411.1, NM_001408415.1 and 2 more transcripts); and 41 more; short protein forms C442*, C395*, C146*, C330*, C354*, C371*, C394*, C401*.
Identifiers: ClinVar variation 54202 (VCV000054202.19), dbSNP rs397508854, ClinGen allele CA000865.